The following is an entry in ClinVar:

NM_001115116.2(ANKRD53):c.904-450C>T

Gene: ANKRD53 (ankyrin repeat domain 53; plus strand). Cytogenetic location: 2p13.3.
Variant type: single nucleotide variant.
Coding change: c.904-450C>T on transcript NM_001115116.2 (MANE Select); 450 bases into the intron before coding-DNA position 904, C replaced by T.
Molecular consequence: intron variant. On other transcripts: synonymous variant (1).
Genome position (GRCh38, 1-based): chr2:70,984,161, C>T. VCF-style: chr2-70984161-C-T. GRCh37 (hg19) VCF-style: chr2-71211291-C-T.
Other names: c.942C>T, p.Ser314= (NM_024933.4); c.802-450C>T (NM_001369683.1).
Identifiers: ClinVar variation 2651019 (VCV002651019.24), dbSNP rs369749142, ClinGen allele CA1701707.
Genomic context (GRCh38, chr2:70,984,161, plus strand): 5'-CCTTTCTGCTTTCTCTTTCCAGGGTCAAGGATGCAGTGTGCACTTCCCATTTGCCTTTTC[C>T]CCCATCACACCAGAGACTCTCCTATGGCAGGACATTTCTCTACTATCAGACTGTGGATTC-3'

ClinVar aggregate classification (germline): Likely benign (1 of 4 stars; one submission).

Allele frequency attached by ClinVar (database versions not stated): gnomAD exomes 0.00007; ESP Exome Variant Server 0.00008; ExAC 0.00010; gnomAD 0.00018; TOPMed 0.00025.
gnomAD v4.1: 148 of 1,614,136 alleles (0.0092%); highest among the groups gnomAD compares: Middle Eastern, 0.33%; 1 homozygote.

Submission:

CeGaT Center for Human Genetics Tuebingen
Classification: Likely benign. Last evaluated: 2023-02-01. Review status: criteria provided, single submitter. Criteria: CeGaT Center For Human Genetics Tuebingen Variant Classification Criteria Version 2. Collection method: clinical testing. Allele origin: germline. Affected: yes. Observed: 1 variant allele.
Comment: ANKRD53: BP4, BP7